The following is an entry in ClinVar:

NM_005619.5(RTN2):c.754A>T (p.Arg252Trp)

Genes: OPA3-RTN2 (OPA3-RTN2 readthrough; minus strand), RTN2 (reticulon 2; minus strand). Cytogenetic location: 19q13.32.
Variant type: single nucleotide variant.
Coding change: c.754A>T on transcript NM_005619.5 (MANE Select); coding-DNA position 754, A replaced by T.
Protein change: p.Arg252Trp; replaces arginine 252 with tryptophan.
Molecular consequence: missense variant.
Genome position (GRCh38, 1-based): chr19:45,494,226, T>A on the plus strand (A>T on the coding strand, the complement: RTN2 is on the minus strand). VCF-style: chr19-45494226-T-A. GRCh37 (hg19) VCF-style: chr19-45997484-T-A.
Other names: c.754A>T (NM_005619.3); c.754A>T, p.Arg252Trp (NM_206900.3); short protein forms R252W.
Identifiers: ClinVar variation 2019754 (VCV002019754.6), dbSNP rs776146730, ClinGen allele CA9516189.

ClinVar aggregate classification (germline): Uncertain significance. Review status: criteria provided, multiple submitters, no conflicts (2 of 4 stars). 2 submissions from 2 submitters: Uncertain significance (2). Last evaluated 2023-04-12.

Conditions:
Inborn genetic diseases. Identifiers: MedGen C0950123, MeSH D030342.
Spastic paraplegia. Identifiers: MedGen C0037772, HP:0001258.

Allele frequency attached by ClinVar (database versions not stated): ExAC 0.00001; gnomAD 0.00002; TOPMed 0.00002.
gnomAD v4.1: 3 of 1,611,468 alleles (0.00019%); highest among the groups gnomAD compares: Non-Finnish European, 0.00025%; no homozygotes.

Submissions (2):

Ambry Genetics
Classification: Uncertain significance for Inborn genetic diseases. Last evaluated: 2023-04-12. Review status: criteria provided, single submitter. Criteria: Ambry Variant Classification Scheme 2023. Collection method: clinical testing. Allele origin: germline.

Labcorp Genetics (formerly Invitae), Labcorp
Classification: Uncertain significance for Spastic paraplegia. Last evaluated: 2022-10-04. Review status: criteria provided, single submitter. Criteria: Invitae Variant Classification Sherloc (09022015). Collection method: clinical testing. Allele origin: germline.
Comment: In summary, the available evidence is currently insufficient to determine the role of this variant in disease. Therefore, it has been classified as a Variant of Uncertain Significance. Algorithms developed to predict the effect of missense changes on protein structure and function are either unavailable or do not agree on the potential impact of this missense change (SIFT: "Deleterious"; PolyPhen-2: "Benign"; Align-GVGD: "Class C0"). This variant has not been reported in the literature in individuals affected with RTN2-related conditions. This variant is present in population databases (rs776146730, gnomAD 0.0009%). This sequence change replaces arginine, which is basic and polar, with tryptophan, which is neutral and slightly polar, at codon 252 of the RTN2 protein (p.Arg252Trp).